The following is an entry in ClinVar:

NM_005475.3(SH2B3):c.1214T>A (p.Phe405Tyr)

Gene: SH2B3 (SH2B adaptor protein 3; plus strand). Cytogenetic location: 12q24.12.
Variant type: single nucleotide variant.
Coding change: c.1214T>A on transcript NM_005475.3 (MANE Select); coding-DNA position 1214, T replaced by A.
Protein change: p.Phe405Tyr; replaces phenylalanine 405 with tyrosine.
Molecular consequence: missense variant.
Genome position (GRCh38, 1-based): chr12:111,447,522, T>A. VCF-style: chr12-111447522-T-A. GRCh37 (hg19) VCF-style: chr12-111885326-T-A.
Other names: c.608T>A, p.Phe203Tyr (NM_001291424.1); short protein forms F203Y, F405Y.
Identifiers: ClinVar variation 4630744 (VCV004630744.1).
Genomic context (GRCh38, chr12:111,447,522, plus strand): 5'-CTCATGGAGTGTTCCTGGTGCGGCAGAGCGAGACGCGGCGTGGGGAATACGTGCTCACTT[T>A]CAACTTTCAGGGGATAGCCAAGGTATGGGGTGGGGTGGGGTGGGGTGGGGCAGGCAGGAC-3'
Protein context (NP_005466.1, residues 395-415): ETRRGEYVLT[Phe405Tyr]NFQGIAKHLR

ClinVar aggregate classification (germline): Uncertain significance (1 of 4 stars; one submission).

Conditions:
Inborn genetic diseases. Identifiers: MedGen C0950123, MeSH D030342.

Submission:

Ambry Genetics
Classification: Uncertain significance for Inborn genetic diseases. Last evaluated: 2025-11-04. Review status: criteria provided, single submitter. Criteria: Ambry Variant Classification Scheme 2023. Collection method: clinical testing. Allele origin: germline.
Comment: The p.F405Y variant (also known as c.1214T>A), located in coding exon 5 of the SH2B3 gene, results from a T to A substitution at nucleotide position 1214. The phenylalanine at codon 405 is replaced by tyrosine, an amino acid with highly similar properties. This amino acid position is conserved. In addition, the in silico prediction for this alteration is inconclusive. Based on the available evidence, the clinical significance of this variant remains unclear.